The following is an entry in ClinVar:

NM_000038.6(APC):c.5173G>T (p.Ala1725Ser)

Gene: APC (APC regulator of Wnt signaling pathway; plus strand). Cytogenetic location: 5q22.2.
Variant type: single nucleotide variant.
Coding change: c.5173G>T on transcript NM_000038.6 (MANE Select); coding-DNA position 5173, G replaced by T.
Protein change: p.Ala1725Ser; replaces alanine 1725 with serine.
Molecular consequence: missense variant.
Genome position (GRCh38, 1-based): chr5:112,840,767, G>T. VCF-style: chr5-112840767-G-T. GRCh37 (hg19) VCF-style: chr5-112176464-G-T.
Other names: c.5173G>T, p.Ala1725Ser (NM_001127510.3, NM_001354895.2, NM_001407450.1); c.5119G>T, p.Ala1707Ser (NM_001127511.3); c.5227G>T, p.Ala1743Ser (NM_001354896.2, NM_001407447.1, NM_001407448.1 and 1 more transcripts); c.5203G>T, p.Ala1735Ser (NM_001354897.2); c.5098G>T, p.Ala1700Ser (NM_001354898.2); c.5089G>T, p.Ala1697Ser (NM_001354899.2); c.5050G>T, p.Ala1684Ser (NM_001354900.2); c.4996G>T, p.Ala1666Ser (NM_001354901.2, NM_001407453.1); and 11 more; short protein forms A1341S, A1442S, A1565S, A1596S, A1599S, A1624S, A1634S, A1642S.
Identifiers: ClinVar variation 1717624 (VCV001717624.6), dbSNP rs1462290554, ClinGen allele CA16032639.

ClinVar aggregate classification (germline): Uncertain significance (1 of 4 stars; one submission).

Conditions:
Familial adenomatous polyposis 1 (FAP1). Also called: FAMILIAL ADENOMATOUS POLYPOSIS 1, ATTENUATED; POLYPOSIS, ADENOMATOUS INTESTINAL. Identifiers: MedGen C2713442, MONDO:0021056, OMIM 175100. Disease mechanism: loss of function.

Submission:

Labcorp Genetics (formerly Invitae), Labcorp
Classification: Uncertain significance for Familial adenomatous polyposis 1. Last evaluated: 2022-08-22. Review status: criteria provided, single submitter. Criteria: Invitae Variant Classification Sherloc (09022015). Collection method: clinical testing. Allele origin: germline.
Comment: This variant has not been reported in the literature in individuals affected with APC-related conditions. This variant is not present in population databases (gnomAD no frequency). This sequence change replaces alanine, which is neutral and non-polar, with serine, which is neutral and polar, at codon 1725 of the APC protein (p.Ala1725Ser). Algorithms developed to predict the effect of missense changes on protein structure and function are either unavailable or do not agree on the potential impact of this missense change (SIFT: "Tolerated"; PolyPhen-2: "Probably Damaging"; Align-GVGD: "Class C0"). In summary, the available evidence is currently insufficient to determine the role of this variant in disease. Therefore, it has been classified as a Variant of Uncertain Significance.